The following is an entry in ClinVar:

NM_000173.7(GP1BA):c.860G>A (p.Gly287Asp)

Gene: GP1BA (glycoprotein Ib platelet subunit alpha; plus strand). Cytogenetic location: 17p13.2.
Variant type: single nucleotide variant.
Coding change: c.860G>A on transcript NM_000173.7 (MANE Select); coding-DNA position 860, G replaced by A.
Protein change: p.Gly287Asp; replaces glycine 287 with aspartic acid.
Molecular consequence: missense variant.
Genome position (GRCh38, 1-based): chr17:4,933,464, G>A. VCF-style: chr17-4933464-G-A. GRCh37 (hg19) VCF-style: chr17-4836759-G-A.
Other names: p.Gly287Asp; short protein forms G287D.
Identifiers: ClinVar variation 4030978 (VCV004030978.3).
Genomic context (GRCh38, chr17:4,933,464, plus strand): 5'-CAGACAAGTTTCCCGTCTACAAATACCCAGGAAAGGGGTGCCCCACCCTTGGTGATGAAG[G>A]TGACACAGACCTATATGATTACTACCCAGAAGAGGACACTGAGGGCGATAAGGTGCGTGC-3'
Protein context (NP_000164.5, residues 277-297): GKGCPTLGDE[Gly287Asp]DTDLYDYYPE

ClinVar aggregate classification (germline): Conflicting classifications of pathogenicity. Review status: criteria provided, conflicting classifications (1 of 4 stars). 3 submissions from 3 submitters: Uncertain significance (1); Likely benign (2). Last evaluated 2025-05-21.

Conditions:
Inborn genetic diseases. Identifiers: MedGen C0950123, MeSH D030342.

Submissions (3):

Mayo Clinic Laboratories, Mayo Clinic
Classification: Uncertain significance. Last evaluated: 2025-05-21. Review status: criteria provided, single submitter. Criteria: ACMG Guidelines, 2015. Collection method: clinical testing. Allele origin: germline. Observed: 1 variant allele.
Comment: BP4_moderate, PM2_supporting

Ambry Genetics
Classification: Likely benign for Inborn genetic diseases. Last evaluated: 2025-04-11. Review status: criteria provided, single submitter. Criteria: Ambry Variant Classification Scheme 2023. Collection method: clinical testing. Allele origin: germline.

Blueprint Genetics
Classification: Likely benign. Last evaluated: 2022-07-05. Review status: criteria provided, single submitter. Criteria: ACMG Guidelines, 2015. Collection method: clinical testing. Allele origin: germline.